The following is an entry in ClinVar:

ClinVar aggregate classification (germline): Uncertain significance. Review status: criteria provided, multiple submitters, no conflicts (2 of 4 stars). 2 submissions from 2 submitters: Uncertain significance (2). Last evaluated 2025-12-13.

Conditions:
Inborn genetic diseases. Identifiers: MedGen C0950123, MeSH D030342.

Submissions (2):

Labcorp Genetics (formerly Invitae), Labcorp
Classification: Uncertain significance. Last evaluated: 2025-12-13. Review status: criteria provided, single submitter. Criteria: Invitae Variant Classification Sherloc (09022015). Collection method: clinical testing. Allele origin: germline.
Comment: This sequence change replaces proline, which is neutral and non-polar, with serine, which is neutral and polar, at codon 247 of the PROM1 protein (p.Pro247Ser). This variant is not present in population databases (gnomAD no frequency). This variant has not been reported in the literature in individuals affected with PROM1-related conditions. ClinVar contains an entry for this variant (Variation ID: 3938404). Invitae Evidence Modeling of protein sequence and biophysical properties (such as structural, functional, and spatial information, amino acid conservation, physicochemical variation, residue mobility, and thermodynamic stability) indicates that this missense variant is not expected to disrupt PROM1 protein function with a negative predictive value of 80%. In summary, the available evidence is currently insufficient to determine the role of this variant in disease. Therefore, it has been classified as a Variant of Uncertain Significance.

Ambry Genetics
Classification: Uncertain significance for Inborn genetic diseases. Last evaluated: 2025-05-20. Review status: criteria provided, single submitter. Criteria: Ambry Variant Classification Scheme 2023. Collection method: clinical testing. Allele origin: germline.

NM_006017.3(PROM1):c.739C>T (p.Pro247Ser)

Gene: PROM1 (prominin 1; minus strand). Cytogenetic location: 4p15.32.
Variant type: single nucleotide variant.
Coding change: c.739C>T on transcript NM_006017.3 (MANE Select); coding-DNA position 739, C replaced by T.
Protein change: p.Pro247Ser; replaces proline 247 with serine.
Molecular consequence: missense variant.
Genome position (GRCh38, 1-based): chr4:16,023,371, G>A on the plus strand (C>T on the coding strand, the complement: PROM1 is on the minus strand). VCF-style: chr4-16023371-G-A. GRCh37 (hg19) VCF-style: chr4-16024994-G-A.
Other names: c.712C>T, p.Pro238Ser (NM_001145847.2, NM_001145848.2, NM_001145851.2 and 4 more transcripts); c.739C>T, p.Pro247Ser (NM_001145849.2, NM_001145850.2); short protein forms P247S, P238S.
Identifiers: ClinVar variation 3938404 (VCV003938404.2).